The following is an entry in ClinVar:

ClinVar aggregate classification (germline): Uncertain significance (1 of 4 stars; one submission).

Submission:

GeneDx
Classification: Uncertain significance. Last evaluated: 2024-03-05. Review status: criteria provided, single submitter. Criteria: GeneDx Variant Classification Process June 2021. Collection method: clinical testing. Allele origin: germline. Affected: yes.
Comment: Not observed at significant frequency in large population cohorts (gnomAD); In-frame deletion of 1 amino acid and insertion of 2 amino acids; In silico analysis supports a deleterious effect on protein structure/function; Has not been previously published as pathogenic or benign to our knowledge

NM_001128840.3(CACNA1D):c.4575delinsTACC (p.Arg1525delinsSerThr)

Gene: CACNA1D (calcium voltage-gated channel subunit alpha1 D; plus strand). Cytogenetic location: 3p21.1.
Variant type: Indel.
Coding change: c.4575delinsTACC on transcript NM_001128840.3 (MANE Select); coding-DNA position 4575, G replaced by TACC.
Protein change: p.Arg1525delinsSerThr.
Molecular consequence: inframe indel.
Genome position (GRCh38, 1-based): chr3:53,776,944, G replaced by TACC. VCF-style: chr3-53776944-G-TACC. GRCh37 (hg19) VCF-style: chr3-53810971-G-TACC.
Other names: c.4635delinsTACC, p.Arg1545delinsSerThr (NM_000720.4); c.4530delinsTACC, p.Arg1510delinsSerThr (NM_001128839.3).
Identifiers: ClinVar variation 3373679 (VCV003373679.1).